The following is an entry in ClinVar:

NM_001206927.2(DNAH8):c.13888C>T (p.Arg4630Trp)

Gene: DNAH8 (dynein axonemal heavy chain 8; plus strand). Cytogenetic location: 6p21.2.
Variant type: single nucleotide variant.
Coding change: c.13888C>T on transcript NM_001206927.2 (MANE Select); coding-DNA position 13888, C replaced by T.
Protein change: p.Arg4630Trp; replaces arginine 4630 with tryptophan.
Molecular consequence: missense variant.
Genome position (GRCh38, 1-based): chr6:39,030,156, C>T. VCF-style: chr6-39030156-C-T. GRCh37 (hg19) VCF-style: chr6-38997932-C-T.
Other names: c.13237C>T, p.Arg4413Trp (NM_001371.4); short protein forms R4413W, R4630W.
Identifiers: ClinVar variation 1403738 (VCV001403738.13), dbSNP rs368133429, ClinGen allele CA3791809.
Genomic context (GRCh38, chr6:39,030,156, plus strand): 5'-CTCTTCCAGGAAGGTGTGTATATTTATGGGCTCTACATGGATGGAGCAGCCTGGGACAGA[C>T]GGAATGGGAAGCTCATGGAATCCACCCCCAAGGTACTCTTCACGCAGTTACCCGTGCTCC-3'
Protein context (NP_001193856.1, residues 4620-4640): LYMDGAAWDR[Arg4630Trp]NGKLMESTPK

ClinVar aggregate classification (germline): Uncertain significance (1 of 4 stars; one submission).

Conditions:
Primary ciliary dyskinesia. Also called: Ciliary dyskinesia. Identifiers: Orphanet 244, MedGen C0008780, MONDO:0016575, HP:0012265.

Allele frequency attached by ClinVar (database versions not stated): gnomAD 0.00002 and 0.00006; gnomAD exomes 0.00007 and 0.00018; TOPMed 0.00007; ESP Exome Variant Server 0.00008; ExAC 0.00022.
gnomAD v4.1: 117 of 1,613,834 alleles (0.0072%); highest among the groups gnomAD compares: South Asian, 0.089%; 1 homozygote.

Submission:

Labcorp Genetics (formerly Invitae), Labcorp
Classification: Uncertain significance for Primary ciliary dyskinesia. Last evaluated: 2024-10-28. Review status: criteria provided, single submitter. Criteria: Invitae Variant Classification Sherloc (09022015). Collection method: clinical testing. Allele origin: germline.
Comment: This sequence change replaces arginine, which is basic and polar, with tryptophan, which is neutral and slightly polar, at codon 4630 of the DNAH8 protein (p.Arg4630Trp). This variant is present in population databases (rs368133429, gnomAD 0.09%). This variant has not been reported in the literature in individuals affected with DNAH8-related conditions. ClinVar contains an entry for this variant (Variation ID: 1403738). Invitae Evidence Modeling of protein sequence and biophysical properties (such as structural, functional, and spatial information, amino acid conservation, physicochemical variation, residue mobility, and thermodynamic stability) indicates that this missense variant is not expected to disrupt DNAH8 protein function with a negative predictive value of 80%. In summary, the available evidence is currently insufficient to determine the role of this variant in disease. Therefore, it has been classified as a Variant of Uncertain Significance.